The following is an entry in ClinVar:

NM_015627.3(LDLRAP1):c.768T>A (p.Asp256Glu)

Gene: LDLRAP1 (low density lipoprotein receptor adaptor protein 1; plus strand). Cytogenetic location: 1p36.11.
Variant type: single nucleotide variant.
Coding change: c.768T>A on transcript NM_015627.3 (MANE Select); coding-DNA position 768, T replaced by A.
Protein change: p.Asp256Glu; replaces aspartic acid 256 with glutamic acid.
Molecular consequence: missense variant.
Genome position (GRCh38, 1-based): chr1:25,565,193, T>A. VCF-style: chr1-25565193-T-A. GRCh37 (hg19) VCF-style: chr1-25891684-T-A.
Other names: short protein forms D256E.
Identifiers: ClinVar variation 4540633 (VCV004540633.1).

ClinVar aggregate classification (germline): Uncertain significance (1 of 4 stars; one submission).

Conditions:
Familial hypercholesterolemia. Also called: Familial hypercholesterolaemia. Identifiers: MedGen C0020445, MONDO:0005439.

gnomAD v4.1: 1 of 1,614,214 alleles (0.000062%); highest among the groups gnomAD compares: Non-Finnish European, 0.000085%; no homozygotes.

Submission:

Cambridge Genomics Laboratory, East Genomic Laboratory Hub, NHS Genomic Medicine Service
Classification: Uncertain significance for Familial hypercholesterolaemia. Last evaluated: 2025-12-05. Review status: criteria provided, single submitter. Criteria: ACGS Best Practice Guidelines for Variant Classification in Rare Disease 2020. Collection method: clinical testing. Allele origin: germline. Affected: yes.
Comment: PM2,PP4,BP4